The following is an entry in ClinVar:

NM_001370259.2(MEN1):c.252_253insTT (p.Ile85fs)

Gene: MEN1 (menin 1; minus strand). Cytogenetic location: 11q13.1.
Variant type: Insertion.
Coding change: c.252_253insTT on transcript NM_001370259.2 (MANE Select); coding-DNA positions 252 to 253, TT inserted.
Protein change: p.Ile85fs; shifts the reading frame from isoleucine 85.
Molecular consequence: frameshift variant.
Genome position: GRCh38 VCF-style: chr11-64809857-T-TAA. GRCh37 (hg19) VCF-style: chr11-64577329-T-TAA.
Other names: c.252_253insTT, p.Ile85fs (NM_000244.4, NM_001370251.2, NM_001370260.2 and 9 more transcripts); short protein forms I85fs.
Identifiers: ClinVar variation 403822 (VCV000403822.10), dbSNP rs386134253, ClinGen allele CA16613485.

ClinVar aggregate classification (germline): Pathogenic. Review status: criteria provided, multiple submitters, no conflicts (2 of 4 stars). 2 submissions from 2 submitters: Pathogenic (2). Last evaluated 2025-11-20.

Conditions:
Hereditary cancer-predisposing syndrome. Also called: Tumor predisposition; Neoplastic Syndromes, Hereditary; Hereditary Cancer Syndrome; Hereditary neoplastic syndrome. Identifiers: Orphanet 140162, MedGen C0027672, MeSH D009386, MONDO:0015356.
Multiple endocrine neoplasia, type 1 (MEN1). Also called: MEN I; WERMER SYNDROME; Endocrine adenomatosis multiple; MEN 1; MEA I. Identifiers: Orphanet 652, MedGen C0025267, MeSH D018761, MONDO:0007540, OMIM 131100.

Submissions (2):

Ambry Genetics
Classification: Pathogenic for Hereditary cancer-predisposing syndrome. Last evaluated: 2025-11-20. Review status: criteria provided, single submitter. Criteria: Ambry Variant Classification Scheme 2023. Collection method: clinical testing. Allele origin: germline.
Comment: The c.252_253insTT pathogenic mutation, located in coding exon 1 of the MEN1 gene, results from an insertion of two nucleotides at position 252, causing a translational frameshift with a predicted alternate stop codon (p.I85Lfs*35). This variant was reported in individual(s) with features consistent with multiple endocrine neoplasia type 1(Ambry internal data). This variant is considered to be rare based on population cohorts in the Genome Aggregation Database (gnomAD). This alteration is expected to result in loss of function by premature protein truncation or nonsense-mediated mRNA decay. As such, this alteration is interpreted as a disease-causing mutation.

Labcorp Genetics (formerly Invitae), Labcorp
Classification: Pathogenic for Multiple endocrine neoplasia, type 1. Last evaluated: 2016-10-26. Review status: criteria provided, single submitter. Criteria: Invitae Variant Classification Sherloc (09022015). Collection method: clinical testing. Allele origin: germline.
Comment: While this particular variant has not been reported in the literature, loss-of-function variants in MEN1 are known to be pathogenic (PMID: 17853334, 12112656). For these reasons, this variant has been classified as Pathogenic. This sequence change inserts 2 nucleotides in exon 2 of the MEN1 mRNA (c.252_253insTT), causing a frameshift at codon 85. This creates a premature translational stop signal (p.Ile85Leufs*35) and is expected to result in an absent or disrupted protein product.

Literature cited by the submitters: PubMed 17853334 (cited by Labcorp Genetics (formerly Invitae), Labcorp); PubMed 12112656 (cited by Labcorp Genetics (formerly Invitae), Labcorp).